The following is an entry in ClinVar:

NM_017649.5(CNNM2):c.1079C>T (p.Pro360Leu)

Gene: CNNM2 (cyclin and CBS domain divalent metal cation transport mediator 2; plus strand). Cytogenetic location: 10q24.32.
Variant type: single nucleotide variant.
Coding change: c.1079C>T on transcript NM_017649.5 (MANE Select); coding-DNA position 1079, C replaced by T.
Protein change: p.Pro360Leu; replaces proline 360 with leucine.
Molecular consequence: missense variant.
Genome position (GRCh38, 1-based): chr10:102,919,559, C>T. VCF-style: chr10-102919559-C-T. GRCh37 (hg19) VCF-style: chr10-104679316-C-T.
Other names: c.1079C>T, p.Pro360Leu (NM_199076.3, NM_199077.3); short protein forms P360L.
Identifiers: ClinVar variation 2571689 (VCV002571689.2), dbSNP rs2493376008, ClinGen allele CA377959418.

ClinVar aggregate classification (germline): Uncertain significance (1 of 4 stars; one submission).

Submission:

GeneDx
Classification: Uncertain significance. Last evaluated: 2025-09-15. Review status: criteria provided, single submitter. Criteria: GeneDx Variant Classification Process June 2021. Collection method: clinical testing. Allele origin: germline. Affected: yes.
Comment: Not observed at significant frequency in large population cohorts (gnomAD); In silico analysis supports that this missense variant has a deleterious effect on protein structure/function; Has not been previously published as pathogenic or benign to our knowledge